The following is an entry in ClinVar:

NM_000059.4(BRCA2):c.7680del (p.Gln2561fs)

Gene: BRCA2 (BRCA2 DNA repair associated; plus strand). Cytogenetic location: 13q13.1.
Variant type: Deletion.
Coding change: c.7680del on transcript NM_000059.4 (MANE Select); coding-DNA position 7680, one base deleted (T; older notation c.7680delT).
Protein change: p.Gln2561fs; shifts the reading frame from glutamine 2561.
Molecular consequence: frameshift variant.
Genome position (GRCh38, 1-based): chr13:32,357,804, T deleted; the last of 4 consecutive T bases (chr13:32,357,801-32,357,804); deleting any one gives the same sequence. VCF-style (leftmost placement, unchanged base first): chr13-32357800-CT-C. GRCh37 (hg19) VCF-style: chr13-32931937-CT-C.
Other names: c.7680delT (NM_000059.3); short protein forms Q2561fs.
Identifiers: ClinVar variation 52384 (VCV000052384.3), dbSNP rs80359673, ClinGen allele CA025226.

ClinVar aggregate classification (germline): Pathogenic. Review status: reviewed by expert panel (3 of 4 stars). 2 submissions from 2 submitters: Pathogenic (1). 1 of the submissions does not count toward it. Last evaluated 2017-12-15.

Conditions:
Breast-ovarian cancer, familial, susceptibility to, 2 (BROVCA2). Also called: BRCA2 Hereditary Breast and Ovarian Cancer. Identifiers: Orphanet 145, MedGen C2675520, MONDO:0012933, OMIM 612555. Disease mechanism: loss of function.
Familial cancer of breast. Also called: BREAST CANCER, FAMILIAL; Hereditary breast cancer; hereditary breast carcinoma. Identifiers: Orphanet 227535, MedGen C0346153, MONDO:0016419, OMIM 114480. Disease mechanism: loss of function.

Submissions (2):

Evidence-based Network for the Interpretation of Germline Mutant Alleles (ENIGMA)
Classification: Pathogenic for Breast-ovarian cancer, familial, susceptibility to, 2. Last evaluated: 2017-12-15. Review status: reviewed by expert panel. Criteria: ENIGMA BRCA1/2 Classification Criteria (2017-06-29). Collection method: curation. Allele origin: germline. Study: ENIGMA.
Comment: Variant allele predicted to encode a truncated non-functional protein.

ClinVar Staff, National Center for Biotechnology Information (NCBI)
No classification provided. Condition: Familial cancer of breast. Review status: no classification provided. Collection method: literature only. Allele origin: germline. Affected: yes. Not counted in ClinVar's aggregate classification.

Literature cited by the submitters: PubMed 22762150 (cited by ClinVar Staff, National Center for Biotechnology Information (NCBI)).